The following is an entry in ClinVar:

ClinVar aggregate classification (germline): Uncertain significance (1 of 4 stars; one submission).

Conditions:
Inborn genetic diseases. Identifiers: MedGen C0950123, MeSH D030342.

Submission:

Ambry Genetics
Classification: Uncertain significance for Inborn genetic diseases. Last evaluated: 2025-11-02. Review status: criteria provided, single submitter. Criteria: Ambry Variant Classification Scheme 2023. Collection method: clinical testing. Allele origin: germline.
Comment: The p.Q168R variant (also known as c.503A>G), located in coding exon 3 of the MIB1 gene, results from an A to G substitution at nucleotide position 503. The glutamine at codon 168 is replaced by arginine, an amino acid with highly similar properties. This amino acid position is conserved. In addition, the in silico prediction for this alteration is inconclusive. Based on the available evidence, the clinical significance of this variant remains unclear.

NM_020774.4(MIB1):c.503A>G (p.Gln168Arg)

Gene: MIB1 (MIB E3 ubiquitin protein ligase 1; plus strand). Cytogenetic location: 18q11.2.
Variant type: single nucleotide variant.
Coding change: c.503A>G on transcript NM_020774.4 (MANE Select); coding-DNA position 503, A replaced by G.
Protein change: p.Gln168Arg; replaces glutamine 168 with arginine.
Molecular consequence: missense variant.
Genome position (GRCh38, 1-based): chr18:21,768,724, A>G. VCF-style: chr18-21768724-A-G. GRCh37 (hg19) VCF-style: chr18-19348685-A-G.
Other names: short protein forms Q168R.
Identifiers: ClinVar variation 4624997 (VCV004624997.1).